The following is an entry in ClinVar:

ClinVar aggregate classification (germline): Likely benign. Review status: criteria provided, multiple submitters, no conflicts (2 of 4 stars). 3 submissions from 3 submitters: Likely benign (3). Last evaluated 2025-07-30.

Conditions:
Fanconi anemia complementation group O. Also called: RAD51C-Related Fanconi Anemia. Identifiers: Orphanet 84, MedGen C3150653, MONDO:0013248, OMIM 613390.
Hereditary cancer-predisposing syndrome. Also called: Tumor predisposition; Neoplastic Syndromes, Hereditary; Hereditary Cancer Syndrome; Hereditary neoplastic syndrome. Identifiers: Orphanet 140162, MedGen C0027672, MeSH D009386, MONDO:0015356.

Allele frequency attached by ClinVar (database versions not stated): gnomAD exomes below 0.00001 and 0.00002; TOPMed below 0.00001; gnomAD 0.00001; ExAC 0.00002; 1000 Genomes Project 30x 0.00016; 1000 Genomes Project 0.00020.
gnomAD v4.1: 7 of 1,612,546 alleles (0.00043%); highest among the groups gnomAD compares: East Asian, 0.0045%; no homozygotes.

Submissions (3):

Labcorp Genetics (formerly Invitae), Labcorp
Classification: Likely benign for Fanconi anemia complementation group O. Last evaluated: 2025-07-30. Review status: criteria provided, single submitter. Criteria: Invitae Variant Classification Sherloc (09022015). Collection method: clinical testing. Allele origin: germline.

GeneDx
Classification: Likely benign. Last evaluated: 2017-10-16. Review status: criteria provided, single submitter. Criteria: GeneDx Variant Classification (06012015). Collection method: clinical testing. Allele origin: germline. Affected: yes.
Comment: This variant is considered likely benign or benign based on one or more of the following criteria: it is a conservative change, it occurs at a poorly conserved position in the protein, it is predicted to be benign by multiple in silico algorithms, and/or has population frequency not consistent with disease.

Color Diagnostics, LLC DBA Color Health
Classification: Likely benign for Hereditary cancer-predisposing syndrome. Last evaluated: 2016-12-09. Review status: criteria provided, single submitter. Criteria: ACMG Guidelines, 2015. Collection method: clinical testing. Allele origin: germline.

NM_058216.3(RAD51C):c.571+20T>C

Gene: RAD51C (RAD51 paralog C; plus strand). Cytogenetic location: 17q22.
Variant type: single nucleotide variant.
Coding change: c.571+20T>C on transcript NM_058216.3 (MANE Select); 20 bases into the intron after coding-DNA position 571, T replaced by C.
Molecular consequence: intron variant.
Genome position (GRCh38, 1-based): chr17:58,696,879, T>C. VCF-style: chr17-58696879-T-C. GRCh37 (hg19) VCF-style: chr17-56774240-T-C.
Other names: c.571+20T>C (LRG_314t1).
Identifiers: ClinVar variation 492373 (VCV000492373.11), dbSNP rs577697136, ClinGen allele CA8677264.